The following is an entry in ClinVar:

NM_023110.3(FGFR1):c.1693T>C (p.Ser565Pro)

Gene: FGFR1 (fibroblast growth factor receptor 1; minus strand). Cytogenetic location: 8p11.23.
Variant type: single nucleotide variant.
Coding change: c.1693T>C on transcript NM_023110.3 (MANE Select); coding-DNA position 1693, T replaced by C.
Protein change: p.Ser565Pro; replaces serine 565 with proline.
Molecular consequence: missense variant.
Genome position (GRCh38, 1-based): chr8:38,416,031, A>G on the plus strand (T>C on the coding strand, the complement: FGFR1 is on the minus strand). VCF-style: chr8-38416031-A-G. GRCh37 (hg19) VCF-style: chr8-38273549-A-G.
Other names: c.1687T>C, p.Ser563Pro (NM_001174063.2, NM_001174065.2, NM_001354367.2 and 1 more transcripts); c.1663T>C, p.Ser555Pro (NM_001174064.2); c.1426T>C, p.Ser476Pro (NM_001174066.2, NM_023105.3); c.1786T>C, p.Ser596Pro (NM_001174067.2); c.1414T>C, p.Ser472Pro (NM_001354368.2); c.1681T>C, p.Ser561Pro (NM_001354369.2, NM_001410922.1); c.1420T>C, p.Ser474Pro (NM_001354370.2, NM_023106.3); short protein forms S472P, S474P, S476P, S555P, S561P, S563P, S565P, S596P.
Identifiers: ClinVar variation 4530551 (VCV004530551.1).
Genomic context (GRCh38, chr8:38,416,031, plus strand): 5'-AGCAGTATTCCAGCCCTGGGGGCCTCCGGGCCTGCAGGTACTCCCGCAGGTTGCCCTTGG[A>G]GGCATACTCCACGATGACATACAAGGGACCTGCAGGCACAGGAGAAGAGGCCATGGGGCC-3'
Protein context (NP_075598.2, residues 555-575): GPLYVIVEYA[Ser565Pro]KGNLREYLQA

ClinVar aggregate classification (somatic clinical impact): Tier I - Strong (1 of 4 stars; one submission).

Conditions:
Rosette-forming glioneuronal tumor. Identifiers: Orphanet 251975, MedGen C4331262, MONDO:0016736, HP:0025171.

Submission:

Institute for Genomic Medicine (IGM) Clinical Laboratory, Nationwide Children's Hospital
Classification: Tier I - Strong for Rosette-forming glioneuronal tumor. Assertion type: diagnostic. Clinical significance: supports diagnosis. Last evaluated: 2024-01-02. Review status: criteria provided, single submitter. Criteria: AMP/ASCO/CAP Guidelines, 2017. Collection method: clinical testing. Allele origin: somatic. Affected: yes.
Comment: Variant has Tier I (strong) clinical significance as a diagnostic inclusion criterion in rosette-forming glioneuronal tumor of fourth ventricule, based on the following evidence: 1) Documented in one or more cancer databases (e.g., St. Jude Pecan, COSMIC, CIViC, OncoKB). 2) Appears in one or more well-established professional guidelines (e.g., World Health Organization [WHO]; National Comprehensive Cancer Network [NCCN]) as providing diagnostic, prognostic, or therapeutic information. 3) Diagnostic for a specific tumor type/classification according to professional guidelines (Evidence Level A; PMIDs: 34185076, 28912153, 31250151, 32859279).

Literature cited by the submitters: PubMed 34185076; PubMed 28912153; PubMed 31250151; PubMed 32859279.